The following is an entry in ClinVar:

ClinVar aggregate classification (germline): Uncertain significance. Review status: criteria provided, multiple submitters, no conflicts (2 of 4 stars). 2 submissions from 2 submitters: Uncertain significance (2). Last evaluated 2024-11-03.

Conditions:
Kabuki syndrome. Also called: Kabuki make-up syndrome; NIIKAWA-KUROKI SYNDROME. Identifiers: Orphanet 2322, MedGen C0796004, MONDO:0016512.

Submissions (2):

GeneDx
Classification: Uncertain significance. Last evaluated: 2024-11-03. Review status: criteria provided, single submitter. Criteria: GeneDx Variant Classification Process June 2021. Collection method: clinical testing. Allele origin: germline. Affected: yes.
Comment: Not observed at significant frequency in large population cohorts (gnomAD); In silico analysis indicates that this missense variant does not alter protein structure/function; Has not been previously published as pathogenic or benign to our knowledge

Labcorp Genetics (formerly Invitae), Labcorp
Classification: Uncertain significance for Kabuki syndrome. Last evaluated: 2023-04-15. Review status: criteria provided, single submitter. Criteria: Invitae Variant Classification Sherloc (09022015). Collection method: clinical testing. Allele origin: germline.
Comment: This sequence change replaces glutamic acid, which is acidic and polar, with lysine, which is basic and polar, at codon 4036 of the KMT2D protein (p.Glu4036Lys). This variant is not present in population databases (gnomAD no frequency). This variant has not been reported in the literature in individuals affected with KMT2D-related conditions. Advanced modeling of protein sequence and biophysical properties (such as structural, functional, and spatial information, amino acid conservation, physicochemical variation, residue mobility, and thermodynamic stability) performed at Invitae indicates that this missense variant is not expected to disrupt KMT2D protein function. In summary, the available evidence is currently insufficient to determine the role of this variant in disease. Therefore, it has been classified as a Variant of Uncertain Significance.

NM_003482.4(KMT2D):c.12106G>A (p.Glu4036Lys)

Gene: KMT2D (lysine methyltransferase 2D; minus strand). Cytogenetic location: 12q13.12.
Variant type: single nucleotide variant.
Coding change: c.12106G>A on transcript NM_003482.4 (MANE Select); coding-DNA position 12106, G replaced by A.
Protein change: p.Glu4036Lys; replaces glutamic acid 4036 with lysine.
Molecular consequence: missense variant.
Genome position (GRCh38, 1-based): chr12:49,032,599, C>T on the plus strand (G>A on the coding strand, the complement: KMT2D is on the minus strand). VCF-style: chr12-49032599-C-T. GRCh37 (hg19) VCF-style: chr12-49426382-C-T.
Other names: short protein forms E4036K.
Identifiers: ClinVar variation 2856656 (VCV002856656.4), dbSNP rs1942977498, ClinGen allele CA384712980.